The following is an entry in ClinVar:

NM_006086.4(TUBB3):c.377A>C (p.Asn126Thr)

Gene: TUBB3 (tubulin beta 3 class III; plus strand). Cytogenetic location: 16q24.3.
Variant type: single nucleotide variant.
Coding change: c.377A>C on transcript NM_006086.4 (MANE Select); coding-DNA position 377, A replaced by C.
Protein change: p.Asn126Thr; replaces asparagine 126 with threonine.
Molecular consequence: missense variant.
Genome position (GRCh38, 1-based): chr16:89,934,828, A>C. VCF-style: chr16-89934828-A-C. GRCh37 (hg19) VCF-style: chr16-90001236-A-C.
Other names: c.161A>C, p.Asn54Thr (NM_001197181.2); short protein forms N126T, N54T.
Identifiers: ClinVar variation 2430718 (VCV002430718.2), dbSNP rs2544627187, ClinGen allele CA397474329.
Genomic context (GRCh38, chr16:89,934,828, plus strand): 5'-ACACGGAGGGGGCGGAGCTGGTGGATTCGGTCCTGGATGTGGTGCGGAAGGAGTGTGAAA[A>C]CTGCGACTGCCTGCAGGGCTTCCAGCTGACCCACTCGCTGGGGGGCGGCACGGGCTCCGG-3'
Protein context (NP_006077.2, residues 116-136): VLDVVRKECE[Asn126Thr]CDCLQGFQLT

ClinVar aggregate classification (germline): Uncertain significance (1 of 4 stars; one submission).

Submission:

GeneDx
Classification: Uncertain significance. Last evaluated: 2024-10-09. Review status: criteria provided, single submitter. Criteria: GeneDx Variant Classification Process June 2021. Collection method: clinical testing. Allele origin: germline.
Comment: Not observed at significant frequency in large population cohorts (gnomAD); Missense variants in this gene are a common cause of disease and they are underrepresented in the general population; In silico analysis indicates that this missense variant does not alter protein structure/function; Has not been previously published as pathogenic or benign to our knowledge; This variant is associated with the following publications: (PMID: 20829227)